The following is an entry in ClinVar:

ClinVar aggregate classification (germline): Conflicting classifications of pathogenicity. Review status: criteria provided, conflicting classifications (1 of 4 stars). 2 submissions from 2 submitters: Likely pathogenic (1); Uncertain significance (1). Last evaluated 2024-09-06.

Conditions:
Inborn genetic diseases. Identifiers: MedGen C0950123, MeSH D030342.

Allele frequency attached by ClinVar (database versions not stated): gnomAD exomes below 0.00001 and 0.00001; ExAC 0.00001.
gnomAD v4.1: 3 of 1,612,780 alleles (0.00019%); highest among the groups gnomAD compares: South Asian, 0.0033%; no homozygotes.

Submissions (2):

Ambry Genetics
Classification: Likely pathogenic for Inborn genetic diseases. Last evaluated: 2024-09-06. Review status: criteria provided, single submitter. Criteria: Ambry Variant Classification Scheme 2023. Collection method: clinical testing. Allele origin: germline.
Comment: The c.1021+4A>T intronic alteration results from an A to T substitution 4 nucleotides after coding exon 5 of the NEU1 gene. This variant was not reported in population-based cohorts in the Genome Aggregation Database (gnomAD). This variant has been identified in the homozygous state in individuals with features consistent with Sialidosis (Sahoo, 2023; Sheth, 2024). This nucleotide position is highly conserved in available vertebrate species. RNA studies have demonstrated that this alteration results in abnormal splicing in the set of samples tested (Ambry internal data). In silico splice site analysis predicts that this alteration may weaken the native splice donor site. Based on the available evidence, this alteration is classified as likely pathogenic.

Labcorp Genetics (formerly Invitae), Labcorp
Classification: Uncertain significance. Last evaluated: 2024-02-17. Review status: criteria provided, single submitter. Criteria: Invitae Variant Classification Sherloc (09022015). Collection method: clinical testing. Allele origin: germline.
Comment: This sequence change falls in intron 5 of the NEU1 gene. It does not directly change the encoded amino acid sequence of the NEU1 protein. It affects a nucleotide within the consensus splice site. This variant is present in population databases (rs764121323, gnomAD 0.003%). This variant has been observed in individual(s) with clinical features of sialidosis type I (Invitae). ClinVar contains an entry for this variant (Variation ID: 1503495). Variants that disrupt the consensus splice site are a relatively common cause of aberrant splicing (PMID: 17576681, 9536098). Algorithms developed to predict the effect of sequence changes on RNA splicing suggest that this variant may disrupt the consensus splice site. In summary, the available evidence is currently insufficient to determine the role of this variant in disease. Therefore, it has been classified as a Variant of Uncertain Significance.

Literature cited by the submitters: PubMed 37604664 (cited by Ambry Genetics); PubMed 38444573 (cited by Ambry Genetics); PubMed 17576681 (cited by Labcorp Genetics (formerly Invitae), Labcorp); PubMed 9536098 (cited by Labcorp Genetics (formerly Invitae), Labcorp).

NM_000434.4(NEU1):c.1021+4A>T

Gene: NEU1 (neuraminidase 1; minus strand). Cytogenetic location: 6p21.33.
Variant type: single nucleotide variant.
Coding change: c.1021+4A>T on transcript NM_000434.4 (MANE Select); 4 bases into the intron after coding-DNA position 1021, A replaced by T.
Molecular consequence: intron variant.
Genome position (GRCh38, 1-based): chr6:31,860,038, T>A on the plus strand (A>T on the coding strand, the complement: NEU1 is on the minus strand). VCF-style: chr6-31860038-T-A. GRCh37 (hg19) VCF-style: chr6-31827815-T-A.
Other names: c.1021+4A>T (NM_000434.3).
Identifiers: ClinVar variation 1503495 (VCV001503495.6), dbSNP rs764121323, ClinGen allele CA3724902.